The following is an entry in ClinVar:

NM_000541.5(SAG):c.231C>T (p.Asp77=)

Gene: SAG (S-antigen visual arrestin; plus strand). Cytogenetic location: 2q37.1.
Variant type: single nucleotide variant.
Coding change: c.231C>T on transcript NM_000541.5 (MANE Select); coding-DNA position 231, C replaced by T.
Protein change: p.Asp77=; no amino-acid change (aspartic acid 77 retained).
Molecular consequence: synonymous variant.
Genome position (GRCh38, 1-based): chr2:233,320,679, C>T. VCF-style: chr2-233320679-C-T. GRCh37 (hg19) VCF-style: chr2-234229325-C-T.
Identifiers: ClinVar variation 719407 (VCV000719407.15), dbSNP rs79922016, ClinGen allele CA2174310.
Genomic context (GRCh38, chr2:233,320,679, plus strand): 5'-CTCCCTTGCAGTGTATGTCACTCTGACCTGCGCCTTCCGCTATGGCCAAGAGGACATTGA[C>T]GTGATCGGCTTGACCTTCCGCAGGGACCTGTACTTCTCCCGGGTCCAGGTGTATCCTCCT-3'
Protein context (NP_000532.2, residues 67-87): CAFRYGQEDI[Asp77=]VIGLTFRRDL

ClinVar aggregate classification (germline): Conflicting classifications of pathogenicity. Review status: criteria provided, conflicting classifications (1 of 4 stars). 4 submissions from 3 submitters: Uncertain significance (1); Benign (2); Likely benign (1). Last evaluated 2026-01-26.

Conditions:
Oguchi disease. Also called: Oguchi's disease. Identifiers: Orphanet 75382, MedGen C1306122, MONDO:0019152.
Retinitis pigmentosa (RP). Identifiers: Orphanet 791, MedGen C0035334, MeSH D012174, MONDO:0019200, OMIM 268000. Inheritance: Autosomal dominant, autosomal recessive and X linked inheritance.

Allele frequency attached by ClinVar (database versions not stated): gnomAD exomes 0.00057 and 0.00134; ExAC 0.00232; gnomAD 0.00497 and 0.00524; TOPMed 0.00518; ESP Exome Variant Server 0.00572; 1000 Genomes Project 0.00659; 1000 Genomes Project 30x 0.00703.
gnomAD v4.1: 1,613 of 1,607,144 alleles (0.1%); highest among the groups gnomAD compares: African/African-American, 1.7%; 13 homozygotes.

Submissions (4):

Labcorp Genetics (formerly Invitae), Labcorp
Classification: Benign. Last evaluated: 2026-01-26. Review status: criteria provided, single submitter. Criteria: Invitae Variant Classification Sherloc (09022015). Collection method: clinical testing. Allele origin: germline.

Blueprint Genetics
Classification: Likely benign. Last evaluated: 2024-11-22. Review status: criteria provided, single submitter. Criteria: ACMG Guidelines, 2015. Collection method: clinical testing. Allele origin: germline.

Illumina Laboratory Services, Illumina
Classification: Benign for Oguchi disease-1. Last evaluated: 2018-01-13. Review status: criteria provided, single submitter. Criteria: ICSL Variant Classification Criteria 13 December 2019. Collection method: clinical testing. Allele origin: germline.
Comment: This variant was observed in the ICSL laboratory as part of a predisposition screen in an ostensibly healthy population. It had not been previously curated by ICSL or reported in the Human Gene Mutation Database (HGMD: prior to June 1st, 2018), and was therefore a candidate for classification through an automated scoring system. Utilizing variant allele frequency, disease prevalence and penetrance estimates, and inheritance mode, an automated score was calculated to assess if this variant is too frequent to cause the disease. Based on the score and internal cut-off values, a variant classified as benign is not then subjected to further curation. The score for this variant resulted in a classification of benign for this disease.

Illumina Laboratory Services, Illumina
Classification: Uncertain significance for Retinitis pigmentosa. Last evaluated: 2018-01-13. Review status: criteria provided, single submitter. Criteria: ICSL Variant Classification Criteria 13 December 2019. Collection method: clinical testing. Allele origin: germline.